The following is an entry in ClinVar:

ClinVar aggregate classification (germline): Likely benign (0 of 4 stars; one submission).

Conditions:
EP300-related disorder. Also called: EP300-related disorders; EP300-related condition.

Submission:

PreventionGenetics, part of Exact Sciences
Classification: Likely benign for EP300-related condition. Last evaluated: 2022-02-13. Review status: no assertion criteria provided. Collection method: clinical testing. Allele origin: germline.
Comment: This variant is classified as likely benign based on ACMG/AMP sequence variant interpretation guidelines (Richards et al. 2015 PMID: 25741868, with internal and published modifications).

NM_001429.4(EP300):c.6486C>T (p.Ser2162=)

Gene: EP300 (E1A binding protein p300; plus strand). Cytogenetic location: 22q13.2.
Variant type: single nucleotide variant.
Coding change: c.6486C>T on transcript NM_001429.4 (MANE Select); coding-DNA position 6486, C replaced by T.
Protein change: p.Ser2162=; no amino-acid change (serine 2162 retained).
Molecular consequence: synonymous variant.
Genome position (GRCh38, 1-based): chr22:41,178,197, C>T. VCF-style: chr22-41178197-C-T. GRCh37 (hg19) VCF-style: chr22-41574201-C-T.
Other names: c.6408C>T, p.Ser2136= (NM_001362843.2).
Identifiers: ClinVar variation 3354360 (VCV003354360.1).